The following is an entry in ClinVar:

ClinVar aggregate classification (germline): Uncertain significance (1 of 4 stars; one submission).

Allele frequency attached by ClinVar (database versions not stated): ExAC 0.00001; gnomAD exomes 0.00001.
gnomAD v4.1: 3 of 1,614,180 alleles (0.00019%); highest among the groups gnomAD compares: Non-Finnish European, 0.00025%; no homozygotes.

Submission:

Ambry Genetics
Classification: Uncertain significance. Last evaluated: 2021-12-12. Review status: criteria provided, single submitter. Criteria: Ambry Variant Classification Scheme 2023. Collection method: clinical testing. Allele origin: germline.
Comment: The p.P453L variant (also known as c.1358C>T), located in coding exon 12 of the BUB1 gene, results from a C to T substitution at nucleotide position 1358. The proline at codon 453 is replaced by leucine, an amino acid with similar properties. This amino acid position is conserved. In addition, the in silico prediction for this alteration is inconclusive. Since supporting evidence is limited at this time, the clinical significance of this alteration remains unclear.

NM_004336.5(BUB1):c.1358C>T (p.Pro453Leu)

Gene: BUB1 (BUB1 mitotic checkpoint serine/threonine kinase; minus strand). Cytogenetic location: 2q13.
Variant type: single nucleotide variant.
Coding change: c.1358C>T on transcript NM_004336.5 (MANE Select); coding-DNA position 1358, C replaced by T.
Protein change: p.Pro453Leu; replaces proline 453 with leucine.
Molecular consequence: missense variant.
Genome position (GRCh38, 1-based): chr2:110,658,661, G>A on the plus strand (C>T on the coding strand, the complement: BUB1 is on the minus strand). VCF-style: chr2-110658661-G-A. GRCh37 (hg19) VCF-style: chr2-111416238-G-A.
Other names: c.1298C>T, p.Pro433Leu (NM_001278616.2); c.1358C>T, p.Pro453Leu (NM_001278617.2); short protein forms P433L, P453L.
Identifiers: ClinVar variation 1770740 (VCV001770740.2), dbSNP rs758169357, ClinGen allele CA1828100.